The following is an entry in ClinVar:

ClinVar aggregate classification (germline): Likely pathogenic (1 of 4 stars; one submission).

Conditions:
Autosomal recessive cerebellar ataxia-saccadic intrusion syndrome. Also called: SPINOCEREBELLAR ATAXIA 24; VPS13D Movement Disorder. Identifiers: Orphanet 95434, MedGen C1846492, MONDO:0011811, OMIM 607317.

gnomAD v4.1: 3 of 1,613,908 alleles (0.00019%); highest among the groups gnomAD compares: Non-Finnish European, 0.00017%; no homozygotes.

Submission:

Variantyx, Inc.
Classification: Likely pathogenic for Autosomal recessive cerebellar ataxia-saccadic intrusion syndrome. Last evaluated: 2025-04-24. Review status: criteria provided, single submitter. Criteria: Variantyx Assertion Criteria 2022. Collection method: clinical testing. Allele origin: germline. Inheritance: Autosomal recessive inheritance.
Comment: This is a nonsense variant in the VPS13D gene (OMIM: 608877). Pathogenic variants in this gene have been associated with autosomal recessive spinocerebellar ataxia-4. This variant introduces a premature termination codon in exon 17 out of 70. It is expected to result in loss of function, which is a known disease mechanism for VPS13D in this disorder ((PMID:29604224) (PVS1). This variant has a 0.0002% maximum allele frequency in non-founder control populations (PM2). This variant has not been reported in individuals with VPS13D-related disorders in the databases available for review. Based on the current evidence, this variant is classified as likely pathogenic for autosomal recessive spinocerebellar ataxia-4.

Literature cited by the submitters: PubMed 29604224.

NM_015378.4(VPS13D):c.3943C>T (p.Arg1315Ter)

Gene: VPS13D (vacuolar protein sorting 13 homolog D; plus strand). Cytogenetic location: 1p36.22.
Variant type: single nucleotide variant.
Coding change: c.3943C>T on transcript NM_015378.4 (MANE Select); coding-DNA position 3943, C replaced by T.
Protein change: p.Arg1315Ter; replaces arginine 1315 with a stop codon.
Molecular consequence: nonsense.
Genome position (GRCh38, 1-based): chr1:12,277,531, C>T. VCF-style: chr1-12277531-C-T. GRCh37 (hg19) VCF-style: chr1-12337588-C-T.
Other names: c.3943C>T, p.Arg1315Ter (NM_018156.4); short protein forms R1315*.
Identifiers: ClinVar variation 4813053 (VCV004813053.1).
Genomic context (GRCh38, chr1:12,277,531, plus strand): 5'-CACTCTGCTAAGTTTTTGAAGGAGTTGACGTTATCCATGGATGAACTGGAAGAAAATTTT[C>T]GAGGTATGCTGAAAAGCGCAGCCACCAAAGTCACCACAGTACTAGCTACCAAGACTGCCG-3'